The following is an entry in ClinVar:

ClinVar aggregate classification (germline): Uncertain significance (1 of 4 stars; one submission).

Conditions:
Hereditary cancer-predisposing syndrome. Also called: Tumor predisposition; Neoplastic Syndromes, Hereditary; Hereditary neoplastic syndrome; Hereditary Cancer Syndrome. Identifiers: Orphanet 140162, MedGen C0027672, MeSH D009386, MONDO:0015356.

gnomAD v4.1: 1 of 1,613,936 alleles (0.000062%); highest among the groups gnomAD compares: East Asian, 0.0022%; no homozygotes.

Submission:

Ambry Genetics
Classification: Uncertain significance for Hereditary cancer-predisposing syndrome. Last evaluated: 2024-12-08. Review status: criteria provided, single submitter. Criteria: Ambry Variant Classification Scheme 2023. Collection method: clinical testing. Allele origin: germline.
Comment: The p.A93G variant (also known as c.278C>G), located in coding exon 3 of the SMARCB1 gene, results from a C to G substitution at nucleotide position 278. The alanine at codon 93 is replaced by glycine, an amino acid with similar properties. This amino acid position is conserved. In addition, this alteration is predicted to be deleterious by in silico analysis. Based on the available evidence, the clinical significance of this variant remains unclear.

NM_003073.5(SMARCB1):c.278C>G (p.Ala93Gly)

Gene: SMARCB1 (SWI/SNF related BAF chromatin remodeling complex subunit B1; plus strand). Cytogenetic location: 22q11.23.
Variant type: single nucleotide variant.
Coding change: c.278C>G on transcript NM_003073.5 (MANE Select); coding-DNA position 278, C replaced by G.
Protein change: p.Ala93Gly; replaces alanine 93 with glycine.
Molecular consequence: missense variant.
Genome position (GRCh38, 1-based): chr22:23,793,604, C>G. VCF-style: chr22-23793604-C-G. GRCh37 (hg19) VCF-style: chr22-24135791-C-G.
Other names: c.251C>G, p.Ala84Gly (NM_001007468.3, NM_001317946.2); c.278C>G, p.Ala93Gly (NM_001362877.2); short protein forms A93G, A84G.
Identifiers: ClinVar variation 3446093 (VCV003446093.1).